The following is an entry in ClinVar:

NM_005144.5(HR):c.1859G>A (p.Arg620Gln)

Gene: HR (HR lysine demethylase and nuclear receptor corepressor; minus strand). Cytogenetic location: 8p21.3.
Variant type: single nucleotide variant.
Coding change: c.1859G>A on transcript NM_005144.5 (MANE Select); coding-DNA position 1859, G replaced by A.
Protein change: p.Arg620Gln; replaces arginine 620 with glutamine.
Molecular consequence: missense variant.
Genome position (GRCh38, 1-based): chr8:22,123,705, C>T on the plus strand (G>A on the coding strand, the complement: HR is on the minus strand). VCF-style: chr8-22123705-C-T. GRCh37 (hg19) VCF-style: chr8-21981218-C-T.
Other names: c.1859G>A, p.Arg620Gln (NM_018411.4); short protein forms R620Q.
Identifiers: ClinVar variation 362507 (VCV000362507.17), dbSNP rs117197822, ClinGen allele CA4662331.

ClinVar aggregate classification (germline): Benign/Likely benign. Review status: criteria provided, multiple submitters, no conflicts (2 of 4 stars). 6 submissions from 5 submitters: Benign (2); Likely benign (4). Last evaluated 2026-01-28.

Conditions:
Atrichia with papular lesions (APL). Also called: PAPULAR ATRICHIA. Identifiers: Orphanet 86819, MedGen C1859592, MONDO:0008847, OMIM 209500.
Alopecia universalis congenita (ALUNC). Also called: ATRICHIA, GENERALIZED. Identifiers: Orphanet 701, MedGen C1859877, MONDO:0008757, OMIM 203655.

Allele frequency attached by ClinVar (database versions not stated): 1000 Genomes Project 30x 0.01749; 1000 Genomes Project 0.01897; ESP Exome Variant Server 0.01972; TOPMed 0.01979; gnomAD 0.02084 and 0.02184; gnomAD exomes 0.02572 and 0.03045; ExAC 0.06390.
gnomAD v4.1: 46,280 of 1,568,566 alleles (3%); highest among the groups gnomAD compares: South Asian, 5.9%; 855 homozygotes.

Submissions (6):

Labcorp Genetics (formerly Invitae), Labcorp
Classification: Benign. Last evaluated: 2026-01-28. Review status: criteria provided, single submitter. Criteria: Invitae Variant Classification Sherloc (09022015). Collection method: clinical testing. Allele origin: germline.

GeneDx
Classification: Benign. Last evaluated: 2021-06-09. Review status: criteria provided, single submitter. Criteria: GeneDx Variant Classification Process June 2021. Collection method: clinical testing. Allele origin: germline. Affected: yes.
Comment: This variant is associated with the following publications: (PMID: 22995991, 20981092, 9758627, 27884173, 17609203, 11410842)

Illumina Laboratory Services, Illumina
Classification: Likely benign for Atrichia with papular lesions. Last evaluated: 2017-04-27. Review status: criteria provided, single submitter. Criteria: ICSL Variant Classification Criteria 13 December 2019. Collection method: clinical testing. Allele origin: germline.
Comment: This variant was observed as part of a predisposition screen in an ostensibly healthy population. A literature search was performed for the gene, cDNA change, and amino acid change (where applicable). Publications were found based on this search. The evidence from the literature, in combination with allele frequency data from public databases where available, was sufficient to determine this variant is unlikely to cause disease. Therefore, this variant is classified as likely benign.

Illumina Laboratory Services, Illumina
Classification: Likely benign for Alopecia universalis congenita. Last evaluated: 2017-04-27. Review status: criteria provided, single submitter. Criteria: ICSL Variant Classification Criteria 13 December 2019. Collection method: clinical testing. Allele origin: germline.
Comment: This variant was observed as part of a predisposition screen in an ostensibly healthy population. A literature search was performed for the gene, cDNA change, and amino acid change (where applicable). No publications were found based on this search. Allele frequency data from public databases allowed determination this variant is unlikely to cause disease. Therefore, this variant is classified as likely benign.

Laboratory for Molecular Medicine, Mass General Brigham Personalized Medicine
Classification: Likely benign. Last evaluated: 2016-03-29. Review status: criteria provided, single submitter. Criteria: LMM Criteria. Collection method: clinical testing. Allele origin: germline.
Comment: Variant identified in a genome or exome case(s) and assessed due to predicted null impact of the variant or pathogenic assertions in the literature or databases. Disclaimer: This variant has not undergone full assessment. The following are preliminary notes: Frequency in ESP (all): 256/12980=1.97%

Breakthrough Genomics
Classification: Likely benign. Review status: criteria provided, single submitter. Criteria: ACMG Guidelines, 2015. Collection method: not provided. Allele origin: germline. Inheritance: Autosomal recessive inheritance. Affected: yes.

Literature cited by the submitters: PubMed 9758627 (cited by Illumina Laboratory Services, Illumina); PubMed 11410842 (cited by Illumina Laboratory Services, Illumina).